The following is an entry in ClinVar:

ClinVar aggregate classification (germline): Benign/Likely benign. Review status: criteria provided, multiple submitters, no conflicts (2 of 4 stars). 2 submissions from 2 submitters: Benign (1); Likely benign (1). Last evaluated 2024-11-25.

Conditions:
Congenital dyserythropoietic anemia, type II (CDAN2). Also called: DYSERYTHROPOIETIC ANEMIA, HEMPAS TYPE. Identifiers: Orphanet 98873, MedGen C1306589, MONDO:0009134, OMIM 224100.

Allele frequency attached by ClinVar (database versions not stated): 1000 Genomes Project 30x 0.00890; 1000 Genomes Project 0.00919; gnomAD 0.01108 and 0.01204; TOPMed 0.01255.

Submissions (2):

Blueprint Genetics
Classification: Likely benign. Last evaluated: 2024-11-25. Review status: criteria provided, single submitter. Criteria: ACMG Guidelines, 2015. Collection method: clinical testing. Allele origin: germline.

Illumina Laboratory Services, Illumina
Classification: Benign for Congenital dyserythropoietic anemia, type II. Last evaluated: 2018-01-13. Review status: criteria provided, single submitter. Criteria: ICSL Variant Classification Criteria 13 December 2019. Collection method: clinical testing. Allele origin: germline.
Comment: This variant was observed in the ICSL laboratory as part of a predisposition screen in an ostensibly healthy population. It had not been previously curated by ICSL or reported in the Human Gene Mutation Database (HGMD: prior to June 1st, 2018), and was therefore a candidate for classification through an automated scoring system. Utilizing variant allele frequency, disease prevalence and penetrance estimates, and inheritance mode, an automated score was calculated to assess if this variant is too frequent to cause the disease. Based on the score and internal cut-off values, a variant classified as benign is not then subjected to further curation. The score for this variant resulted in a classification of benign for this disease.

NM_006363.6(SEC23B):c.-24C>T

Gene: SEC23B (SEC23 homolog B, COPII component; plus strand). Cytogenetic location: 20p11.23.
Variant type: single nucleotide variant.
Coding change: c.-24C>T on transcript NM_006363.6 (MANE Select); 24 bases upstream of the start codon, C replaced by T.
Molecular consequence: 5 prime UTR variant. On other transcripts: intron variant (1).
Genome position (GRCh38, 1-based): chr20:18,507,963, C>T. VCF-style: chr20-18507963-C-T. GRCh37 (hg19) VCF-style: chr20-18488607-C-T.
Other names: c.-349C>T (NM_001172745.3); c.-42C>T (NM_001172746.3, NM_032985.6); c.-15+294C>T (NM_032986.5).
Identifiers: ClinVar variation 337788 (VCV000337788.6), dbSNP rs115614151, ClinGen allele CA10652381.